The following is an entry in ClinVar:

ClinVar aggregate classification (germline): Uncertain significance (1 of 4 stars; one submission).

Conditions:
Hereditary cancer-predisposing syndrome. Also called: Neoplastic Syndromes, Hereditary; Tumor predisposition; Hereditary Cancer Syndrome; Hereditary neoplastic syndrome. Identifiers: Orphanet 140162, MedGen C0027672, MeSH D009386, MONDO:0015356.

Submission:

Ambry Genetics
Classification: Uncertain significance for Hereditary cancer-predisposing syndrome. Last evaluated: 2026-05-05. Review status: criteria provided, single submitter. Criteria: Ambry Variant Classification Scheme 2023. Collection method: clinical testing. Allele origin: germline.
Comment: The p.D853H variant (also known as c.2557G>C), located in coding exon 9 of the BRCA1 gene, results from a G to C substitution at nucleotide position 2557. The aspartic acid at codon 853 is replaced by histidine, an amino acid with similar properties. This amino acid position is highly conserved in available vertebrate species. In addition, this alteration is predicted to be deleterious by in silico analysis. Based on the available evidence, the clinical significance of this variant remains unclear.

NM_007294.4(BRCA1):c.2557G>C (p.Asp853His)

Gene: BRCA1 (BRCA1 DNA repair associated; minus strand). Cytogenetic location: 17q21.31.
Variant type: single nucleotide variant.
Coding change: c.2557G>C on transcript NM_007294.4 (MANE Select); coding-DNA position 2557, G replaced by C.
Protein change: p.Asp853His; replaces aspartic acid 853 with histidine.
Molecular consequence: missense variant. On other transcripts: intron variant (137).
Genome position (GRCh38, 1-based): chr17:43,092,974, C>G on the plus strand (G>C on the coding strand, the complement: BRCA1 is on the minus strand). VCF-style: chr17-43092974-C-G. GRCh37 (hg19) VCF-style: chr17-41244991-C-G.
Other names: c.2557G>C, p.Asp853His (NM_001407622.1, NM_001407623.1, NM_001407624.1 and 30 more transcripts); c.2554G>C, p.Asp852His (NM_001407627.1, NM_001407628.1, NM_001407629.1 and 22 more transcripts); c.2224G>C, p.Asp742His (NM_001407946.1, NM_001407947.1, NM_001407948.1 and 6 more transcripts); c.2221G>C, p.Asp741His (NM_001407954.1, NM_001407955.1, NM_001407956.1 and 1 more transcripts); c.1669G>C, p.Asp557His (NM_001407966.1, NM_001407967.1); c.2416G>C, p.Asp806His (NM_007297.4, NM_001407942.1, NM_001407944.1 and 29 more transcripts); c.646+1770G>C (NM_001408458.1, NM_001408469.1, NM_001408455.1 and 11 more transcripts); c.283+1770G>C (NM_001408512.1); and 41 more; short protein forms D557H, D685H, D725H, D726H, D741H, D742H, D764H, D765H.
Identifiers: ClinVar variation 4867729 (VCV004867729.1).